The following is an entry in ClinVar:

ClinVar aggregate classification (germline): Uncertain significance. Review status: criteria provided, multiple submitters, no conflicts (2 of 4 stars). 2 submissions from 2 submitters: Uncertain significance (2). Last evaluated 2025-07-15.

Conditions:
Inborn genetic diseases. Identifiers: MedGen C0950123, MeSH D030342.

Allele frequency attached by ClinVar (database versions not stated): TOPMed below 0.00001; ExAC 0.00001; gnomAD exomes 0.00001 and below 0.00001.

Submissions (2):

Ambry Genetics
Classification: Uncertain significance for Inborn genetic diseases. Last evaluated: 2025-07-15. Review status: criteria provided, single submitter. Criteria: Ambry Variant Classification Scheme 2023. Collection method: clinical testing. Allele origin: germline.

Labcorp Genetics (formerly Invitae), Labcorp
Classification: Uncertain significance. Last evaluated: 2021-07-22. Review status: criteria provided, single submitter. Criteria: Invitae Variant Classification Sherloc (09022015). Collection method: clinical testing. Allele origin: germline.
Comment: This sequence change replaces alanine with valine at codon 549 of the RBP3 protein (p.Ala549Val). The alanine residue is highly conserved and there is a small physicochemical difference between alanine and valine. This variant is present in population databases (rs782601697, ExAC 0.002%). This variant has not been reported in the literature in individuals affected with RBP3-related conditions. Algorithms developed to predict the effect of missense changes on protein structure and function are either unavailable or do not agree on the potential impact of this missense change (SIFT: "Tolerated"; PolyPhen-2: "Possibly Damaging"; Align-GVGD: "Class C0"). In summary, the available evidence is currently insufficient to determine the role of this variant in disease. Therefore, it has been classified as a Variant of Uncertain Significance.

NM_002900.3(RBP3):c.1646C>T (p.Ala549Val)

Gene: RBP3 (retinol binding protein 3; plus strand). Cytogenetic location: 10q11.22.
Variant type: single nucleotide variant.
Coding change: c.1646C>T on transcript NM_002900.3 (MANE Select); coding-DNA position 1646, C replaced by T.
Protein change: p.Ala549Val; replaces alanine 549 with valine.
Molecular consequence: missense variant.
Genome position (GRCh38, 1-based): chr10:47,350,130, C>T. VCF-style: chr10-47350130-C-T. GRCh37 (hg19) VCF-style: chr10-48389232-G-A.
Other names: c.1646C>T (NM_002900.2); short protein forms A549V.
Identifiers: ClinVar variation 1501434 (VCV001501434.9), dbSNP rs782601697, ClinGen allele CA5487468.
Genomic context (GRCh38, chr10:47,350,130, plus strand): 5'-CACGCTACAGCACCCAACGTGGGGTGTATCTGCTCACCAGCCACCGCACCGCCACGGCCG[C>T]GGAGGAGTTCGCCTTCCTTATGCAGTCGCTGGGCTGGGCCACACTGGTAGGTGAGATCAC-3'
Protein context (NP_002891.1, residues 539-559): LLTSHRTATA[Ala549Val]EEFAFLMQSL